The following is an entry in ClinVar:

NM_020207.7(ERCC6L2):c.248T>C (p.Ile83Thr)

Gene: ERCC6L2 (ERCC excision repair 6 like 2; plus strand). Cytogenetic location: 9q22.32.
Variant type: single nucleotide variant.
Coding change: c.248T>C on transcript NM_020207.7 (MANE Select); coding-DNA position 248, T replaced by C.
Protein change: p.Ile83Thr; replaces isoleucine 83 with threonine.
Molecular consequence: missense variant. On other transcripts: non-coding transcript variant (1).
Genome position (GRCh38, 1-based): chr9:95,881,070, T>C. VCF-style: chr9-95881070-T-C. GRCh37 (hg19) VCF-style: chr9-98643352-T-C.
Other names: c.248T>C, p.Ile83Thr (NM_001010895.4, NM_001375291.1, NM_001375292.1 and 2 more transcripts); short protein forms I83T.
Identifiers: ClinVar variation 3845926 (VCV003845926.1).

ClinVar aggregate classification (germline): Uncertain significance (1 of 4 stars; one submission).

Conditions:
Inborn genetic diseases. Identifiers: MedGen C0950123, MeSH D030342.

gnomAD v4.1: 5 of 1,613,212 alleles (0.00031%); highest among the groups gnomAD compares: East Asian, 0.0022%; no homozygotes.

Submission:

Ambry Genetics
Classification: Uncertain significance for Inborn genetic diseases. Last evaluated: 2025-02-10. Review status: criteria provided, single submitter. Criteria: Ambry Variant Classification Scheme 2023. Collection method: clinical testing. Allele origin: germline.
Comment: The p.I83T variant (also known as c.248T>C), located in coding exon 2 of the ERCC6L2 gene, results from a T to C substitution at nucleotide position 248. The isoleucine at codon 83 is replaced by threonine, an amino acid with similar properties. This amino acid position is conserved. In addition, the in silico prediction for this alteration is inconclusive. Based on the available evidence, the clinical significance of this variant remains unclear.